The following is an entry in ClinVar:

ClinVar aggregate classification (germline): Uncertain significance (1 of 4 stars; one submission).

Allele frequency attached by ClinVar (database versions not stated): gnomAD exomes below 0.00001.
gnomAD v4.1: 2 of 1,611,396 alleles (0.00012%); highest among the groups gnomAD compares: Non-Finnish European, 0.000085%; no homozygotes.

Submission:

Labcorp Genetics (formerly Invitae), Labcorp
Classification: Uncertain significance. Last evaluated: 2022-07-06. Review status: criteria provided, single submitter. Criteria: Invitae Variant Classification Sherloc (09022015). Collection method: clinical testing. Allele origin: germline.
Comment: In summary, the available evidence is currently insufficient to determine the role of this variant in disease. Therefore, it has been classified as a Variant of Uncertain Significance. Experimental studies and prediction algorithms are not available or were not evaluated, and the functional significance of this variant is currently unknown. This variant has not been reported in the literature in individuals affected with COL18A1-related conditions. The frequency data for this variant in the population databases is considered unreliable, as metrics indicate poor data quality at this position in the gnomAD database. This sequence change replaces glycine, which is neutral and non-polar, with valine, which is neutral and non-polar, at codon 529 of the COL18A1 protein (p.Gly529Val).

NM_001379500.1(COL18A1):c.1586G>T (p.Gly529Val)

Gene: COL18A1 (collagen type XVIII alpha 1 chain; plus strand). Cytogenetic location: 21q22.3.
Variant type: single nucleotide variant.
Coding change: c.1586G>T on transcript NM_001379500.1 (MANE Select); coding-DNA position 1586, G replaced by T.
Protein change: p.Gly529Val; replaces glycine 529 with valine.
Molecular consequence: missense variant.
Genome position (GRCh38, 1-based): chr21:45,480,833, G>T. VCF-style: chr21-45480833-G-T. GRCh37 (hg19) VCF-style: chr21-46900747-G-T.
Other names: c.2126G>T, p.Gly709Val (NM_030582.4); c.2831G>T, p.Gly944Val (NM_130444.3); short protein forms G529V, G709V, G944V.
Identifiers: ClinVar variation 2419684 (VCV002419684.5), dbSNP rs1362428602, ClinGen allele CA410517955.